The following is an entry in ClinVar:

NM_000090.4(COL3A1):c.2168G>A (p.Gly723Asp)

Gene: COL3A1 (collagen type III alpha 1 chain; plus strand). Cytogenetic location: 2q32.2.
Variant type: single nucleotide variant.
Coding change: c.2168G>A on transcript NM_000090.4 (MANE Select); coding-DNA position 2168, G replaced by A.
Protein change: p.Gly723Asp; replaces glycine 723 with aspartic acid.
Molecular consequence: missense variant.
Genome position (GRCh38, 1-based): chr2:188,999,516, G>A. VCF-style: chr2-188999516-G-A. GRCh37 (hg19) VCF-style: chr2-189864242-G-A.
Identifiers: ClinVar variation 101292 (VCV000101292.12), dbSNP rs587779581, ClinGen allele CA005131.

ClinVar aggregate classification (germline): Pathogenic. Review status: criteria provided, single submitter (1 of 4 stars). 2 submissions from 2 submitters: Pathogenic (1). 1 of the submissions does not count toward it. Last evaluated 2019-02-22.

Conditions:
Ehlers-Danlos syndrome, type 4 (EDSVASC). Also called: Ehlers-Danlos syndrome vascular type; Ehlers Danlos syndrome, ecchymotic type; Ehlers Danlos syndrome, arterial type; Ehlers Danlos syndrome, Sack-Barabas type; Ehlers-Danlos Syndrome Type IV. Identifiers: Orphanet 286, MedGen C0268338, MONDO:0017314, OMIM 130050.

Submissions (2):

Labcorp Genetics (formerly Invitae), Labcorp
Classification: Pathogenic for Ehlers-Danlos syndrome, type 4. Last evaluated: 2019-02-22. Review status: criteria provided, single submitter. Criteria: Invitae Variant Classification Sherloc (09022015). Collection method: clinical testing. Allele origin: germline.
Comment: For these reasons, this variant has been classified as Pathogenic. Glycine residues within the Gly-Xaa-Yaa repeats of the triple helix domain are required for the structure and stability of fibrillar collagens (PMID: 7695699, 8218237, 19344236). In COL3A1, variants that affect these glycine residues are significantly enriched in individuals with disease (PMID: 24922459, 25758994) compared to the general population (ExAC). This variant has been reported in the literature in an individual affected with Ehlers-Danlos syndrome (PMID: 24922459). ClinVar contains an entry for this variant (Variation ID: 101292). This variant is not present in population databases (ExAC no frequency). This sequence change replaces glycine with aspartic acid at codon 723 of the COL3A1 protein (p.Gly723Asp). The glycine residue is highly conserved and there is a moderate physicochemical difference between glycine and aspartic acid.

Collagen Diagnostic Laboratory, University of Washington
Classification: Pathogenic for Ehlers-Danlos syndrome, type 4. Review status: no assertion criteria provided. Collection method: clinical testing. Allele origin: germline. Affected: yes. Not counted in ClinVar's aggregate classification.

Literature cited by the submitters: PubMed 7695699 (cited by Labcorp Genetics (formerly Invitae), Labcorp); PubMed 8218237 (cited by Labcorp Genetics (formerly Invitae), Labcorp); PubMed 19344236 (cited by Labcorp Genetics (formerly Invitae), Labcorp); PubMed 24922459 (cited by Labcorp Genetics (formerly Invitae), Labcorp); PubMed 25758994 (cited by Labcorp Genetics (formerly Invitae), Labcorp).